The following is an entry in ClinVar:

NM_000143.4(FH):c.1158_1160del (p.Gln386_Val387delinsHis)

Gene: FH (fumarate hydratase; minus strand). Cytogenetic location: 1q43.
Variant type: Deletion.
Coding change: c.1158_1160del on transcript NM_000143.4 (MANE Select); coding-DNA positions 1158 to 1160, 3 bases deleted (AGT; older notation c.1158_1160delAGT).
Protein change: p.Gln386_Val387delinsHis.
Molecular consequence: inframe indel.
Genome position (GRCh38, 1-based): chr1:241,502,519-241,502,521, ACT deleted on the plus strand (AGT on the coding strand, the reverse complement: FH is on the minus strand). VCF-style (leftmost placement, unchanged base first): chr1-241502518-GACT-G. GRCh37 (hg19) VCF-style: chr1-241665818-GACT-G.
Identifiers: ClinVar variation 931415 (VCV000931415.4), dbSNP rs1659807516, ClinGen allele CA1139656721.

ClinVar aggregate classification (germline): Conflicting classifications of pathogenicity. Review status: criteria provided, conflicting classifications (1 of 4 stars). 2 submissions from 2 submitters: Likely pathogenic (1); Uncertain significance (1). Last evaluated 2025-04-15.

Conditions:
Fumarase deficiency (FMRD). Also called: Fumaric aciduria; Fumarate Hydratase Deficiency. Identifiers: Orphanet 24, MedGen C0342770, MONDO:0011730, OMIM 606812.
Hereditary leiomyomatosis and renal cell cancer. Also called: LEIOMYOMA, MULTIPLE CUTANEOUS; Familial leiomyomatosis; MULTIPLE CUTANEOUS AND UTERINE LEIOMYOMATA 1, WITH OR WITHOUT RENAL CELL CARCINOMA; Multiple cutaneous leiomyomas; FH tumor predisposition syndrome; Reed syndrome. Identifiers: Orphanet 523, MedGen C1708350, MONDO:0007888, OMIM 150800, HP:0007437. Disease mechanism: loss of function.

Submissions (2):

Molecular Pathology, Peter Maccallum Cancer Centre
Classification: Uncertain significance for Hereditary leiomyomatosis and renal cell cancer. Last evaluated: 2025-04-15. Review status: criteria provided, single submitter. Criteria: ACMG Guidelines, 2015. Collection method: clinical testing. Allele origin: germline. Inheritance: Autosomal dominant inheritance.

Centre for Mendelian Genomics, University Medical Centre Ljubljana
Classification: Likely pathogenic for Fumarase deficiency. Last evaluated: 2016-01-01. Review status: criteria provided, single submitter. Criteria: ACMG Guidelines, 2015. Collection method: clinical testing. Allele origin: unknown. Affected: yes.
Comment: This variant was classified as: Likely pathogenic. The following ACMG criteria were applied in classifying this variant: PM2,PM4,PP4,PP5.